The following is an entry in ClinVar:

NM_000535.7(PMS2):c.2128G>T (p.Glu710Ter)

Gene: PMS2 (PMS1 homolog 2, mismatch repair system component; minus strand). Cytogenetic location: 7p22.1.
Variant type: single nucleotide variant.
Coding change: c.2128G>T on transcript NM_000535.7 (MANE Select); coding-DNA position 2128, G replaced by T.
Protein change: p.Glu710Ter; replaces glutamic acid 710 with a stop codon.
Molecular consequence: nonsense. On other transcripts: non-coding transcript variant (1).
Genome position (GRCh38, 1-based): chr7:5,982,870, C>A on the plus strand (G>T on the coding strand, the complement: PMS2 is on the minus strand). VCF-style: chr7-5982870-C-A. GRCh37 (hg19) VCF-style: chr7-6022501-C-A.
Other names: c.1723G>T, p.Glu575Ter (NM_001018040.1, NM_001322003.2, NM_001322004.2 and 15 more transcripts); c.1972G>T, p.Glu658Ter (NM_001322006.2, NM_001406870.1); c.1810G>T, p.Glu604Ter (NM_001322007.2, NM_001322008.2, NM_001406876.1 and 1 more transcripts); c.1567G>T, p.Glu523Ter (NM_001322010.2, NM_001406906.1, NM_001406907.1); c.1195G>T, p.Glu399Ter (NM_001322011.2, NM_001322012.2); c.1555G>T, p.Glu519Ter (NM_001322013.2, NM_001406909.1); c.2128G>T, p.Glu710Ter (NM_001322014.2, NM_001406871.1); c.1819G>T, p.Glu607Ter (NM_001322015.2, NM_001406875.1, NM_001406877.1 and 5 more transcripts); and 13 more; short protein forms E555*, E710*, E718*, E607*, E644*, E674*, E309*, E399*.
Identifiers: ClinVar variation 1786350 (VCV001786350.2), dbSNP rs1060503131, ClinGen allele CA366737932.

ClinVar aggregate classification (germline): Pathogenic (1 of 4 stars; one submission).

Conditions:
Hereditary cancer-predisposing syndrome. Also called: Neoplastic Syndromes, Hereditary; Tumor predisposition; Hereditary Cancer Syndrome; Hereditary neoplastic syndrome. Identifiers: Orphanet 140162, MedGen C0027672, MeSH D009386, MONDO:0015356.

Submission:

Ambry Genetics
Classification: Pathogenic for Hereditary cancer-predisposing syndrome. Last evaluated: 2021-01-25. Review status: criteria provided, single submitter. Criteria: Ambry Variant Classification Scheme 2023. Collection method: clinical testing. Allele origin: germline.
Comment: The p.E710* pathogenic mutation (also known as c.2128G>T), located in coding exon 12 of the PMS2 gene, results from a G to T substitution at nucleotide position 2128. This changes the amino acid from a glutamic acid to a stop codon within coding exon 12. This alteration is expected to result in loss of function by premature protein truncation or nonsense-mediated mRNA decay. As such, this alteration is interpreted as a disease-causing mutation.